The following is an entry in ClinVar:

NM_000211.5(ITGB2):c.1697C>T (p.Pro566Leu)

Gene: ITGB2 (integrin subunit beta 2; minus strand). Cytogenetic location: 21q22.3.
Variant type: single nucleotide variant.
Coding change: c.1697C>T on transcript NM_000211.5 (MANE Select); coding-DNA position 1697, C replaced by T.
Protein change: p.Pro566Leu; replaces proline 566 with leucine.
Molecular consequence: missense variant.
Genome position (GRCh38, 1-based): chr21:44,889,456, G>A on the plus strand (C>T on the coding strand, the complement: ITGB2 is on the minus strand). VCF-style: chr21-44889456-G-A. GRCh37 (hg19) VCF-style: chr21-46309371-G-A.
Other names: c.1697C>T (LRG_76t1); c.1697C>T, p.Pro566Leu (NM_001127491.3); c.1490C>T, p.Pro497Leu (NM_001303238.2); short protein forms P566L, P497L.
Identifiers: ClinVar variation 340148 (VCV000340148.11), dbSNP rs373223342, ClinGen allele CA10062729.
Genomic context (GRCh38, chr21:44,889,456, plus strand): 5'-CGCGGGTTCAGGCAGCCCTCAGTGGTCCTCTCGCACTGGCACGCTGAGCCCTCAAAGCCC[G>A]GGTGGCAGCGGCACTTCCCGCAGAAGCAGAGCCCCCTCCCTGGAAGACGGGGCAGCACGG-3'
Protein context (NP_000202.3, residues 556-576): LCFCGKCRCH[Pro566Leu]GFEGSACQCE

ClinVar aggregate classification (germline): Uncertain significance. Review status: criteria provided, multiple submitters, no conflicts (2 of 4 stars). 3 submissions from 3 submitters: Uncertain significance (3). Last evaluated 2022-07-26.

Conditions:
Leukocyte adhesion deficiency 1 (LAD1). Also called: LEUKOCYTE ADHESION DEFICIENCY, TYPE I; LAD 1; Lymphocyte function-associated antigen 1 immunodeficiency; LFA 1 immunodeficiency. Identifiers: Orphanet 2968, Orphanet 99842, MedGen C0398738, MONDO:0007293, OMIM 116920.

Allele frequency attached by ClinVar (database versions not stated): ESP Exome Variant Server 0.00008; gnomAD exomes 0.00008; ExAC 0.00015; TOPMed 0.00015; gnomAD 0.00022 and 0.00024; 1000 Genomes Project 30x 0.00031; 1000 Genomes Project 0.00040.
gnomAD v4.1: 109 of 1,594,468 alleles (0.0068%); highest among the groups gnomAD compares: African/African-American, 0.07%; no homozygotes.

Submissions (3):

Labcorp Genetics (formerly Invitae), Labcorp
Classification: Uncertain significance for Leukocyte adhesion deficiency 1. Last evaluated: 2022-07-26. Review status: criteria provided, single submitter. Criteria: Invitae Variant Classification Sherloc (09022015). Collection method: clinical testing. Allele origin: germline.
Comment: This sequence change replaces proline, which is neutral and non-polar, with leucine, which is neutral and non-polar, at codon 566 of the ITGB2 protein (p.Pro566Leu). This variant is present in population databases (rs373223342, gnomAD 0.06%). This variant has not been reported in the literature in individuals affected with ITGB2-related conditions. ClinVar contains an entry for this variant (Variation ID: 340148). Algorithms developed to predict the effect of missense changes on protein structure and function (SIFT, PolyPhen-2, Align-GVGD) all suggest that this variant is likely to be tolerated. In summary, the available evidence is currently insufficient to determine the role of this variant in disease. Therefore, it has been classified as a Variant of Uncertain Significance.

Fulgent Genetics
Classification: Uncertain significance for Leukocyte adhesion deficiency 1. Last evaluated: 2021-09-16. Review status: criteria provided, single submitter. Criteria: ACMG Guidelines, 2015. Collection method: clinical testing. Allele origin: unknown.

Illumina Laboratory Services, Illumina
Classification: Uncertain significance for Leukocyte adhesion deficiency 1. Last evaluated: 2018-01-12. Review status: criteria provided, single submitter. Criteria: ICSL Variant Classification Criteria 13 December 2019. Collection method: clinical testing. Allele origin: germline.